The following is an entry in ClinVar:

NM_182961.4(SYNE1):c.25199G>T (p.Ser8400Ile)

Gene: SYNE1 (spectrin repeat containing nuclear envelope protein 1; minus strand). Cytogenetic location: 6q25.2.
Variant type: single nucleotide variant.
Coding change: c.25199G>T on transcript NM_182961.4 (MANE Select); coding-DNA position 25199, G replaced by T.
Protein change: p.Ser8400Ile; replaces serine 8400 with isoleucine.
Molecular consequence: missense variant.
Genome position (GRCh38, 1-based): chr6:152,141,250, C>A on the plus strand (G>T on the coding strand, the complement: SYNE1 is on the minus strand). VCF-style: chr6-152141250-C-A. GRCh37 (hg19) VCF-style: chr6-152462385-C-A.
Other names: c.1805G>T, p.Ser602Ile (NM_001347701.2); c.1733G>T, p.Ser578Ile (NM_001347702.2); c.25055G>T, p.Ser8352Ile (NM_033071.5); short protein forms S578I, S602I, S8352I, S8400I.
Identifiers: ClinVar variation 1256377 (VCV001256377.7), dbSNP rs769976238, ClinGen allele CA4052901.

ClinVar aggregate classification (germline): Uncertain significance. Review status: criteria provided, multiple submitters, no conflicts (2 of 4 stars). 2 submissions from 2 submitters: Uncertain significance (2). Last evaluated 2022-03-17.

Conditions:
Autosomal recessive ataxia, Beauce type. Also called: Spinocerebellar ataxia, autosomal recessive 8; ATAXIA, RECESSIVE, OF BEAUCE; SYNE1 Deficiency; SYNE1-Related Autosomal Recessive Cerebellar Ataxia. Identifiers: Orphanet 88644, MedGen C1853116, MONDO:0012549, OMIM 610743.
Emery-Dreifuss muscular dystrophy 4, autosomal dominant (EDMD4). Also called: EMERY-DREIFUSS MUSCULAR DYSTROPHY 4 WITH VARIABLE FEATURES. Identifiers: Orphanet 261, MedGen C2751807, MONDO:0013071, OMIM 612998.

gnomAD v4.1: 88 of 1,614,068 alleles (0.0055%); highest among the groups gnomAD compares: Non-Finnish European, 0.0071%; no homozygotes.

Submissions (2):

Labcorp Genetics (formerly Invitae), Labcorp
Classification: Uncertain significance for Emery-Dreifuss muscular dystrophy 4, autosomal dominant; Autosomal recessive ataxia, Beauce type. Last evaluated: 2022-03-17. Review status: criteria provided, single submitter. Criteria: Invitae Variant Classification Sherloc (09022015). Collection method: clinical testing. Allele origin: germline.
Comment: In summary, the available evidence is currently insufficient to determine the role of this variant in disease. Therefore, it has been classified as a Variant of Uncertain Significance. Algorithms developed to predict the effect of missense changes on protein structure and function (SIFT, PolyPhen-2, Align-GVGD) all suggest that this variant is likely to be tolerated. ClinVar contains an entry for this variant (Variation ID: 1256377). This variant has not been reported in the literature in individuals affected with SYNE1-related conditions. This variant is present in population databases (rs769976238, gnomAD 0.006%). This sequence change replaces serine, which is neutral and polar, with isoleucine, which is neutral and non-polar, at codon 8352 of the SYNE1 protein (p.Ser8352Ile).

Athena Diagnostics
Classification: Uncertain significance. Last evaluated: 2020-11-17. Review status: criteria provided, single submitter. Criteria: Athena Diagnostics criteria. Collection method: clinical testing. Allele origin: unknown.